The following is an entry in ClinVar:

ClinVar aggregate classification (germline): Uncertain significance (1 of 4 stars; one submission).

Conditions:
Hereditary cancer-predisposing syndrome. Also called: Neoplastic Syndromes, Hereditary; Tumor predisposition; Hereditary Cancer Syndrome; Hereditary neoplastic syndrome. Identifiers: Orphanet 140162, MedGen C0027672, MeSH D009386, MONDO:0015356.

Submissions (2):

Ambry Genetics
Classification: Uncertain significance for Hereditary cancer-predisposing syndrome. Last evaluated: 2024-02-09. Review status: criteria provided, single submitter. Criteria: Ambry Variant Classification Scheme 2023. Collection method: clinical testing. Allele origin: germline.
Comment: The p.I1855K variant (also known as c.5564T>A), located in coding exon 22 of the BRCA1 gene, results from a T to A substitution at nucleotide position 5564. The isoleucine at codon 1855 is replaced by lysine, an amino acid with dissimilar properties. One functional study found that this nucleotide substitution is indeterminant in a high throughput genome editing haploid cell survival assay (Findlay GM et al. Nature, 2018 Oct;562:217-222). This amino acid position is not well conserved in available vertebrate species. In addition, this alteration is predicted to be deleterious by in silico analysis. Based on the available evidence, the clinical significance of this alteration remains unclear.

Brotman Baty Institute, University of Washington
No classification provided (evidence only). Condition: Breast-ovarian cancer, familial 1. Review status: no classification provided. Collection method: in vitro. Allele origin: not applicable. Functional consequence: function_uncertain_variant. Not counted in ClinVar's aggregate classification.
ClinVar note: "not provided" was previously submitted as the classification for the variant. However, the classification appeared to be based only on an observation of functional data so it was converted to no classification on 2025-07-30.

Literature cited by the submitters: PubMed 30209399 (cited by Ambry Genetics).

NM_007294.4(BRCA1):c.5564T>A (p.Ile1855Lys)

Gene: BRCA1 (BRCA1 DNA repair associated; minus strand). Cytogenetic location: 17q21.31.
Variant type: single nucleotide variant.
Coding change: c.5564T>A on transcript NM_007294.4 (MANE Select); coding-DNA position 5564, T replaced by A.
Protein change: p.Ile1855Lys; replaces isoleucine 1855 with lysine.
Molecular consequence: missense variant. On other transcripts: 3 prime UTR variant (1), non-coding transcript variant (1).
Genome position (GRCh38, 1-based): chr17:43,045,706, A>T on the plus strand (T>A on the coding strand, the complement: BRCA1 is on the minus strand). VCF-style: chr17-43045706-A-T. GRCh37 (hg19) VCF-style: chr17-41197723-A-T.
Other names: c.5357T>A, p.Ile1786Lys (NM_001407874.1, NM_001407875.1); c.5354T>A, p.Ile1785Lys (NM_001407879.1, NM_001407881.1, NM_001407882.1 and 5 more transcripts); c.5351T>A, p.Ile1784Lys (NM_001407894.1, NM_001407895.1, NM_001407896.1 and 12 more transcripts); c.5300T>A, p.Ile1767Lys (NM_001407921.1, NM_001407922.1, NM_001407923.1 and 4 more transcripts); c.5297T>A, p.Ile1766Lys (NM_001407927.1, NM_001407928.1, NM_001407929.1 and 4 more transcripts); c.*78T>A (NM_001407941.1, NM_001407942.1, NM_001407943.1 and 14 more transcripts); c.5231T>A, p.Ile1744Lys (NM_001407946.1, NM_001407947.1, NM_001407948.1 and 1 more transcripts); c.5228T>A, p.Ile1743Lys (NM_001407950.1, NM_001407951.1, NM_001407952.1 and 3 more transcripts); and 74 more; short protein forms I1855K, I1876K, I751K, I1808K, I1686K, I1726K, I1742K, I1767K.
Identifiers: ClinVar variation 868679 (VCV000868679.4), dbSNP rs900082291, ClinGen allele CA10590197.
Genomic context (GRCh38, chr17:43,045,706, plus strand): 5'-TCCTGTGGCTCTGTACCTGTGGCTGGCTGCAGTCAGTAGTGGCTGTGGGGGATCTGGGGT[A>T]TCAGGTAGGTGTCCAGCTCCTGGCACTGGTAGAGTGCTACACTGTCCAACACCCACTCTC-3'
Protein context (NP_009225.1, residues 1845-1863): YQCQELDTYL[Ile1855Lys]PQIPHSHY